The following is an entry in ClinVar:

ClinVar aggregate classification (germline): Uncertain significance (1 of 4 stars; one submission).

Submission:

Labcorp Genetics (formerly Invitae), Labcorp
Classification: Uncertain significance. Last evaluated: 2022-03-28. Review status: criteria provided, single submitter. Criteria: Invitae Variant Classification Sherloc (09022015). Collection method: clinical testing. Allele origin: germline.
Comment: In summary, the available evidence is currently insufficient to determine the role of this variant in disease. Therefore, it has been classified as a Variant of Uncertain Significance. Experimental studies and prediction algorithms are not available or were not evaluated, and the functional significance of this variant is currently unknown. This variant has not been reported in the literature in individuals affected with RIMS1-related conditions. Information on the frequency of this variant in the gnomAD database is not available, as this variant may be reported differently in the database. This sequence change replaces aspartic acid, which is acidic and polar, with tyrosine, which is neutral and polar, at codon 423 of the RIMS1 protein (p.Asp423Tyr).

NM_014989.7(RIMS1):c.1266_1267delinsCT (p.Asp423Tyr)

Gene: RIMS1 (regulating synaptic membrane exocytosis 1; plus strand). Cytogenetic location: 6q13.
Variant type: Indel.
Coding change: c.1266_1267delinsCT on transcript NM_014989.7 (MANE Select); coding-DNA positions 1266 to 1267, GG replaced by CT.
Protein change: p.Asp423Tyr; replaces aspartic acid 423 with tyrosine.
Molecular consequence: missense variant.
Genome position (GRCh38, 1-based): chr6:72,182,737-72,182,738, GG replaced by CT. VCF-style: chr6-72182737-GG-CT. GRCh37 (hg19) VCF-style: chr6-72892440-GG-CT.
Other names: short protein forms D423Y.
Identifiers: ClinVar variation 2118964 (VCV002118964.4), dbSNP rs2551808487, ClinGen allele CA2580075742.